The following is an entry in ClinVar:

NM_015450.3(POT1):c.1361del (p.Leu453_Leu454insTer)

Gene: POT1 (protection of telomeres 1; minus strand). Cytogenetic location: 7q31.33.
Variant type: Deletion.
Coding change: c.1361del on transcript NM_015450.3 (MANE Select); coding-DNA position 1361, one base deleted (T; older notation c.1361delT).
Protein change: p.Leu453_Leu454insTer.
Molecular consequence: nonsense. On other transcripts: non-coding transcript variant (3).
Genome position (GRCh38, 1-based): chr7:124,840,981, A deleted on the plus strand (T on the coding strand, the reverse complement: POT1 is on the minus strand); the first of 4 consecutive A bases (chr7:124,840,981-124,840,984); deleting any one gives the same sequence. VCF-style (leftmost placement, unchanged base first): chr7-124840980-CA-C. GRCh37 (hg19) VCF-style: chr7-124481034-CA-C.
Other names: c.968del, p.Leu322_Leu323insTer (NM_001042594.2).
Identifiers: ClinVar variation 1993526 (VCV001993526.4), dbSNP rs2485394074, ClinGen allele CA2580076431.
Genomic context (GRCh38, chr7:124,840,980, plus strand): 5'-GGAAAAATATGCAAAAGGAGTATTCTAACAAAACAGTGACTTAAATATCTTACCTTCTAT[CA>C]AAAGTAGACATTCATTTGAAAGCGGGAGAATACCATTATTTTTCACAAAATGAACTGCTA-3'

ClinVar aggregate classification (germline): Pathogenic (1 of 4 stars; one submission).

Conditions:
Tumor predisposition syndrome 3 (TPDS3). Also called: Melanoma, cutaneous malignant, susceptibility to, 10; Glioma susceptibility 9; LONG TELOMERE SYNDROME, POT1-RELATED; POT1 Tumor Predisposition. Identifiers: Orphanet 618, MedGen C4014476, MONDO:0014368, OMIM 615848.

Submission:

Labcorp Genetics (formerly Invitae), Labcorp
Classification: Pathogenic for Tumor predisposition syndrome 3. Last evaluated: 2023-04-28. Review status: criteria provided, single submitter. Criteria: Invitae Variant Classification Sherloc (09022015). Collection method: clinical testing. Allele origin: germline.
Comment: For these reasons, this variant has been classified as Pathogenic. ClinVar contains an entry for this variant (Variation ID: 1993526). This variant has not been reported in the literature in individuals affected with POT1-related conditions. This variant is not present in population databases (gnomAD no frequency). This sequence change creates a premature translational stop signal (p.Leu454*) in the POT1 gene. It is expected to result in an absent or disrupted protein product. Loss-of-function variants in POT1 are known to be pathogenic (PMID: 32155570).

Literature cited by the submitters: PubMed 32155570.